The following is an entry in ClinVar:

ClinVar aggregate classification (germline): Uncertain significance (1 of 4 stars; one submission).

Submission:

GeneDx
Classification: Uncertain significance. Last evaluated: 2024-09-09. Review status: criteria provided, single submitter. Criteria: GeneDx Variant Classification Process June 2021. Collection method: clinical testing. Allele origin: germline. Affected: yes.
Comment: Not observed at significant frequency in large population cohorts (gnomAD); In silico analysis indicates that this missense variant does not alter protein structure/function; Has not been previously published as pathogenic or benign to our knowledge

NM_001205293.3(CACNA1E):c.2608C>G (p.Gln870Glu)

Gene: CACNA1E (calcium voltage-gated channel subunit alpha1 E; plus strand). Cytogenetic location: 1q25.3.
Variant type: single nucleotide variant.
Coding change: c.2608C>G on transcript NM_001205293.3 (MANE Select); coding-DNA position 2608, C replaced by G.
Protein change: p.Gln870Glu; replaces glutamine 870 with glutamic acid.
Molecular consequence: missense variant.
Genome position (GRCh38, 1-based): chr1:181,732,694, C>G. VCF-style: chr1-181732694-C-G. GRCh37 (hg19) VCF-style: chr1-181701830-C-G.
Other names: c.2608C>G, p.Gln870Glu (NM_000721.4); c.2551C>G, p.Gln851Glu (NM_001205294.2); short protein forms Q851E, Q870E.
Identifiers: ClinVar variation 3767396 (VCV003767396.1).